The following is an entry in ClinVar:

ClinVar aggregate classification (germline): Uncertain significance (1 of 4 stars; one submission).

Submission:

Labcorp Genetics (formerly Invitae), Labcorp
Classification: Uncertain significance. Last evaluated: 2025-11-19. Review status: criteria provided, single submitter. Criteria: Invitae Variant Classification Sherloc (09022015). Collection method: clinical testing. Allele origin: germline.
Comment: This sequence change replaces glycine, which is neutral and non-polar, with serine, which is neutral and polar, at codon 122 of the ALPK3 protein (p.Gly122Ser). This variant is not present in population databases (gnomAD no frequency). This variant has not been reported in the literature in individuals affected with ALPK3-related conditions. ClinVar contains an entry for this variant (Variation ID: 3689037). An algorithm developed to predict the effect of missense changes on protein structure and function outputs the following: PolyPhen-2: "Benign". The serine amino acid residue is found in multiple mammalian species, which suggests that this missense change does not adversely affect protein function. In summary, the available evidence is currently insufficient to determine the role of this variant in disease. Therefore, it has been classified as a Variant of Uncertain Significance.

NC_000015.10:g.84817210G>A

Gene: ALPK3 (alpha kinase 3; plus strand). Cytogenetic location: 15q25.3.
Variant type: single nucleotide variant.
Genome position: GRCh38 VCF-style: chr15-84817210-G-A. GRCh37 (hg19) VCF-style: chr15-85360441-G-A.
Identifiers: ClinVar variation 3689037 (VCV003689037.2).